The following is an entry in ClinVar:

NM_025114.4(CEP290):c.384_385del (p.Asp128fs)

Gene: CEP290 (centrosomal protein 290; minus strand). Cytogenetic location: 12q21.32.
Variant type: Deletion.
Coding change: c.384_385del on transcript NM_025114.4 (MANE Select); coding-DNA positions 384 to 385, 2 bases deleted (TA; older notation c.384_385delTA).
Protein change: p.Asp128fs; shifts the reading frame from aspartic acid 128.
Molecular consequence: frameshift variant.
Genome position (GRCh38, 1-based): chr12:88,136,699-88,136,700, TA deleted on the plus strand (TA on the coding strand, the reverse complement: CEP290 is on the minus strand); deleting any 2 consecutive bases within chr12:88,136,699-88,136,701 gives the same sequence; the c. name uses the placement nearest the transcript's 3' end. VCF-style (leftmost placement, unchanged base first): chr12-88136698-CTA-C. GRCh37 (hg19) VCF-style: chr12-88530475-CTA-C.
Other names: short protein forms D128fs.
Identifiers: ClinVar variation 1098750 (VCV001098750.6), dbSNP rs1288619268, ClinGen allele CA606675887.

ClinVar aggregate classification (germline): Pathogenic/Likely pathogenic. Review status: criteria provided, multiple submitters, no conflicts (2 of 4 stars). 4 submissions from 4 submitters: Pathogenic (3); Likely pathogenic (1). Last evaluated 2025-01-28.

Conditions:
Leber congenital amaurosis (LCA). Also called: Leber's amaurosis. Identifiers: Orphanet 65, MedGen C0339527, MeSH D057130, MONDO:0018998.
Joubert syndrome. Also called: CEREBELLOPARENCHYMAL DISORDER IV; JOUBERT-BOLTSHAUSER SYNDROME; Familial aplasia of the vermis. Identifiers: Orphanet 475, MedGen C5979921, MONDO:0018772.
Nephronophthisis. Also called: Juvenile Nephronophthisis. Identifiers: Orphanet 655, MedGen C0687120, MONDO:0019005, HP:0000090.
Meckel-Gruber syndrome. Also called: DYSENCEPHALIA SPLANCHNOCYSTICA; GRUBER SYNDROME; Dysencephalia splachnocystica. Identifiers: Orphanet 564, MedGen C0265215, MONDO:0018921.
CEP290-related disorder. Also called: CEP290-related disorders; CEP290-related condition. Identifiers: MedGen CN239314.
Bardet-Biedl syndrome 14 (BBS14). Identifiers: Orphanet 110, MedGen C2673874, MONDO:0014442, OMIM 615991.

Submissions (4):

Labcorp Genetics (formerly Invitae), Labcorp
Classification: Pathogenic for Joubert syndrome; Meckel-Gruber syndrome; Nephronophthisis. Last evaluated: 2025-01-28. Review status: criteria provided, single submitter. Criteria: Invitae Variant Classification Sherloc (09022015). Collection method: clinical testing. Allele origin: germline.
Comment: This sequence change creates a premature translational stop signal (p.Asp128Glufs*17) in the CEP290 gene. It is expected to result in an absent or disrupted protein product. Loss-of-function variants in CEP290 are known to be pathogenic (PMID: 16909394, 17345604, 20690115). This variant is present in population databases (no rsID available, gnomAD 0.003%). This premature translational stop signal has been observed in individual(s) with retinal dystrophy (PMID: 20683928, 34196655). ClinVar contains an entry for this variant (Variation ID: 1098750). For these reasons, this variant has been classified as Pathogenic.

Natera, Inc.
Classification: Pathogenic for Leber congenital amaurosis. Last evaluated: 2024-08-21. Review status: criteria provided, single submitter. Criteria: Natera Variant Classification Schema (03/2026). Collection method: clinical testing. Allele origin: germline.
Comment: The c.384_385delTA variant in CEP290 is a frameshift variant predicted to shift the reading frame beginning at codon 128 and leads to a stop codon 17 codons downstream. This variant is expected to result in nonsense mediated decay, truncation, or a dysfunctional protein product. This variant is rare in the general population with a frequency below the threshold expected for the associated phenotype(s). This variant has been observed in one or more individuals affected with the associated recessive disease, as either homozygous or compound heterozygous with a second variant (PMID: 20683928). Given the available evidence, this variant is classified as Pathogenic.

Baylor Genetics
Classification: Pathogenic for Bardet-Biedl syndrome 14. Last evaluated: 2023-07-31. Review status: criteria provided, single submitter. Criteria: ACMG Guidelines, 2015. Collection method: clinical testing. Allele origin: unknown.

Women's Health and Genetics/Laboratory Corporation of America, LabCorp
Classification: Likely pathogenic for CEP290-Related Disorders. Last evaluated: 2021-04-21. Review status: criteria provided, single submitter. Criteria: LabCorp Variant Classification Summary - May 2015. Collection method: clinical testing. Allele origin: germline.
Comment: Variant summary: CEP290 c.384_385delTA (p.Asp128GlufsX17) results in a premature termination codon, predicted to cause a truncation of the encoded protein or absence of the protein due to nonsense mediated decay, which are commonly known mechanisms for disease. Truncations around- and downstream of this position have been reported in affected individuals (HGMD). The variant allele was found at a frequency of 4e-06 in 249066 control chromosomes (gnomAD). The variant, c.384_385delTA, has been reported in the literature in at least two compound heterozygous individuals who were affected with isolated (i.e. non-syndromic) Leber congenital amaurosis (Coppieters_2010) and pericentral retinitis pigmentosa (Karali_2019); these phenotypes represent the least severe end of the CEP290 associated disease spectrum (Coppieters_2010b, Drivas_2015). These data indicate that the variant may be associated with disease. To our knowledge, no experimental evidence demonstrating an impact on protein function has been reported. No clinical diagnostic laboratories have submitted clinical-significance assessments for this variant to ClinVar after 2014. Based on the evidence outlined above, the variant was classified as likely pathogenic.

Literature cited by the submitters: PubMed 16909394 (cited by Labcorp Genetics (formerly Invitae), Labcorp); PubMed 17345604 (cited by Labcorp Genetics (formerly Invitae), Labcorp); PubMed 20690115 (cited by Labcorp Genetics (formerly Invitae), Labcorp and Women's Health and Genetics/Laboratory Corporation of America, LabCorp); PubMed 20683928 (cited by 3 submitters); PubMed 34196655 (cited by Labcorp Genetics (formerly Invitae), Labcorp); PubMed 26062849 (cited by Women's Health and Genetics/Laboratory Corporation of America, LabCorp); PubMed 31877679 (cited by Women's Health and Genetics/Laboratory Corporation of America, LabCorp).